The following is an entry in ClinVar:

NM_000393.5(COL5A2):c.3923G>C (p.Ser1308Thr)

Gene: COL5A2 (collagen type V alpha 2 chain; minus strand). Cytogenetic location: 2q32.2.
Variant type: single nucleotide variant.
Coding change: c.3923G>C on transcript NM_000393.5 (MANE Select); coding-DNA position 3923, G replaced by C.
Protein change: p.Ser1308Thr; replaces serine 1308 with threonine.
Molecular consequence: missense variant.
Genome position (GRCh38, 1-based): chr2:189,039,274, C>G on the plus strand (G>C on the coding strand, the complement: COL5A2 is on the minus strand). VCF-style: chr2-189039274-C-G. GRCh37 (hg19) VCF-style: chr2-189904000-C-G.
Other names: short protein forms S1308T.
Identifiers: ClinVar variation 4770267 (VCV004770267.1).

ClinVar aggregate classification (germline): Uncertain significance (1 of 4 stars; one submission).

Conditions:
Ehlers-Danlos syndrome, classic type, 1 (EDSCL1). Also called: EHLERS-DANLOS SYNDROME, GRAVIS TYPE; EHLERS-DANLOS SYNDROME, SEVERE CLASSIC TYPE; Ehlers-Danlos syndrome, type 1; Ehlers-Danlos Syndrome, Classic Type, COL5A1-Related; EDS I. Identifiers: MedGen C0268335, MONDO:0019567, OMIM 130000.

gnomAD v4.1: 1 of 1,613,862 alleles (0.000062%); highest among the groups gnomAD compares: Non-Finnish European, 0.000085%; no homozygotes.

Submission:

Labcorp Genetics (formerly Invitae), Labcorp
Classification: Uncertain significance for Ehlers-Danlos syndrome, classic type, 1. Last evaluated: 2025-09-22. Review status: criteria provided, single submitter. Criteria: Invitae Variant Classification Sherloc (09022015). Collection method: clinical testing. Allele origin: germline.
Comment: This sequence change replaces serine, which is neutral and polar, with threonine, which is neutral and polar, at codon 1308 of the COL5A2 protein (p.Ser1308Thr). This variant is not present in population databases (gnomAD no frequency). This variant has not been reported in the literature in individuals affected with COL5A2-related conditions. Experimental studies and prediction algorithms are not available or were not evaluated, and the functional significance of this variant is currently unknown. In summary, the available evidence is currently insufficient to determine the role of this variant in disease. Therefore, it has been classified as a Variant of Uncertain Significance.